The following is an entry in ClinVar:

ClinVar aggregate classification (germline): Uncertain significance (1 of 4 stars; one submission).

Conditions:
Familial sleep-related hypermotor epilepsy. Also called: Autosomal Dominant Sleep-Related Hypermotor (Hyperkinetic) Epilepsy. Identifiers: Orphanet 98784, MedGen C3696898, MONDO:0000030.

gnomAD v4.1: 2 of 1,603,410 alleles (0.00012%); highest among the groups gnomAD compares: Admixed American, 0.0034%; no homozygotes.

Submission:

Labcorp Genetics (formerly Invitae), Labcorp
Classification: Uncertain significance. Last evaluated: 2025-05-22. Review status: criteria provided, single submitter. Criteria: Invitae Variant Classification Sherloc (09022015). Collection method: clinical testing. Allele origin: germline.
Comment: This sequence change replaces histidine, which is basic and polar, with tyrosine, which is neutral and polar, at codon 402 of the CHRNA4 protein (p.His402Tyr). The frequency data for this variant in the population databases is considered unreliable, as metrics indicate poor data quality at this position in the gnomAD database. This variant has not been reported in the literature in individuals affected with CHRNA4-related conditions. Invitae Evidence Modeling of protein sequence and biophysical properties (such as structural, functional, and spatial information, amino acid conservation, physicochemical variation, residue mobility, and thermodynamic stability) indicates that this missense variant is not expected to disrupt CHRNA4 protein function with a negative predictive value of 80%. In summary, the available evidence is currently insufficient to determine the role of this variant in disease. Therefore, it has been classified as a Variant of Uncertain Significance.

NM_000744.7(CHRNA4):c.1204C>T (p.His402Tyr)

Gene: CHRNA4 (cholinergic receptor nicotinic alpha 4 subunit; minus strand). Cytogenetic location: 20q13.33.
Variant type: single nucleotide variant.
Coding change: c.1204C>T on transcript NM_000744.7 (MANE Select); coding-DNA position 1204, C replaced by T.
Protein change: p.His402Tyr; replaces histidine 402 with tyrosine.
Molecular consequence: missense variant. On other transcripts: non-coding transcript variant (1).
Genome position (GRCh38, 1-based): chr20:63,350,207, G>A on the plus strand (C>T on the coding strand, the complement: CHRNA4 is on the minus strand). VCF-style: chr20-63350207-G-A. GRCh37 (hg19) VCF-style: chr20-61981559-G-A.
Other names: c.676C>T, p.His226Tyr (NM_001256573.2); short protein forms H226Y, H402Y.
Identifiers: ClinVar variation 4755317 (VCV004755317.1).
Genomic context (GRCh38, chr20:63,350,207, plus strand): 5'-AGGAAGGCCCAGGCTCAGCCGGCACATCCAGGGGGACACAGAAGGACGGTGAGGGCGGGT[G>A]CAGGCTCTGGGTGCCGCTCGTGGCAGGGGGCTCCCCTTCTGGCTCGGGCCAGAAGCGCGG-3'
Protein context (NP_000735.1, residues 392-412): PPATSGTQSL[His402Tyr]PPSPSFCVPL